The following continues an entry in ClinVar:

NM_000051.4(ATM):c.748C>T (p.Arg250Ter)

Gene: ATM. ClinVar aggregate classification (germline): Pathogenic. Pathogenic (1).

Submissions 11 to 21 of 21:

Color Diagnostics, LLC DBA Color Health
Classification: Pathogenic for Hereditary cancer-predisposing syndrome. Last evaluated: 2022-12-13. Review status: criteria provided, single submitter. Criteria: ACMG Guidelines, 2015. Collection method: clinical testing. Allele origin: germline. Not counted in ClinVar's aggregate classification.
Comment: This variant changes 1 nucleotide in exon 7 of the ATM gene, creating a premature translation stop signal. In addition, RNA extracted from carrier-derived lymphoblastoid cells have shown the skipping of exon 7 (also known as exon 9 in the literature; PMID: 10330348, 22006793). Both aberrant transcripts are expected to result in an absent or non-functional protein product. This variant has been reported in individuals affected with breast cancer (PMID: 28724667, 33471991) and in the compound heterozygous state in individuals affected with ataxia-telangiectasia (PMID: 10330348, 12552559, 22006793). This variant has also been identified in 1/251002 chromosomes in the general population by the Genome Aggregation Database (gnomAD). Loss of ATM function is a known mechanism of disease. Based on the available evidence, this variant is classified as Pathogenic.

CeGaT Center for Human Genetics Tuebingen
Classification: Pathogenic. Last evaluated: 2022-10-01. Review status: criteria provided, single submitter. Criteria: CeGaT Center For Human Genetics Tuebingen Variant Classification Criteria Version 2. Collection method: clinical testing. Allele origin: germline. Affected: yes. Observed: 1 variant allele. Not counted in ClinVar's aggregate classification.
Comment: ATM: PVS1, PM2

GeneDx
Classification: Pathogenic. Last evaluated: 2022-06-21. Review status: criteria provided, single submitter. Criteria: GeneDx Variant Classification Process June 2021. Collection method: clinical testing. Allele origin: germline. Affected: yes. Not counted in ClinVar's aggregate classification.
Comment: Nonsense variant predicted to result in protein truncation or nonsense mediated decay in a gene for which loss-of-function is a known mechanism of disease; Not observed at a significant frequency in large population cohorts (gnomAD); This variant is associated with the following publications: (PMID: 30816533, 25525159, 12552559, 22006793, 19022408, 10330348, 20840352, 27479817, 21778326, 29909963, 22763152, 30607632, 32521533, 28724667, 32427313, 35664542, 31472684, 34954471, 30697212, 35158934)

Sema4
Classification: Pathogenic for Hereditary cancer-predisposing syndrome. Last evaluated: 2022-02-10. Review status: criteria provided, single submitter. Criteria: Sema4 Curation Guidelines. Collection method: curation. Allele origin: germline. Not counted in ClinVar's aggregate classification.
Comment: The ATM c.748C>T (p.R250X) variant has been reported as compound heterozygous in several individuals with ataxia telangiectasia, and as heterozygous in individuals with breast cancer, and gastric cancer (PMID 12552559, 21778326, 26896183, 28724667, 30607632, 30816533, 32427313, 32521533). This variant has also been reported in 3/60466 women with breast cancer and 2/53461 controls in a large case control study evaluating breast cancer risk (PMID 33471991). Patient derived lymphoblastoid cell lines indicated loss of ATM expression and defect in double-stranded repair activity (PMID 21778326). This nonsense variant creates a premature stop codon at residue 250 of the ATM protein. At this location, this is predicted to cause nonsense-mediated decay and result in an absent protein (loss of function). Loss of function variants in ATM are known to be pathogenic (PMID 31050087). This variant was observed in 1/34560 chromosomes in the Latino population, according to the Genome Aggregation Database (PMID: 32461654). The variant has been reported in ClinVar (Variation ID 216024). Based on the current evidence available, this variant is interpreted as pathogenic.

Department of Pathology and Laboratory Medicine, Sinai Health System
Classification: Pathogenic for ATM-related cancer predisposition. Last evaluated: 2021-08-16. Review status: criteria provided, single submitter. Criteria: ACMG Guidelines, 2015. Collection method: clinical testing. Allele origin: germline. Affected: yes. Not counted in ClinVar's aggregate classification.

Women's Health and Genetics/Laboratory Corporation of America, LabCorp
Classification: Pathogenic for Malignant tumor of breast. Last evaluated: 2021-03-15. Review status: criteria provided, single submitter. Criteria: LabCorp Variant Classification Summary - May 2015. Collection method: clinical testing. Allele origin: germline. Not counted in ClinVar's aggregate classification.
Comment: Variant summary: ATM c.748C>T (p.Arg250X) results in a premature termination codon, predicted to cause a truncation of the encoded protein or absence of the protein due to nonsense mediated decay, which are commonly known mechanisms for disease. Truncations downstream of this position have been classified as pathogenic by our laboratory. At least one publication reports experimental evidence that this variant affects mRNA splicing (Teraoka_1999). The variant allele was found at a frequency of 7.6e-06 in 261978 control chromosomes. c.748C>T has been reported in the literature in individuals affected with Ataxia-Telangiectasia or Breast Cancer (Teraoka_1999, Decker_2017). These data indicate that the variant is likely to be associated with disease. Seven clinical diagnostic laboratories have submitted clinical-significance assessments for this variant to ClinVar after 2014 without evidence for independent evaluation. All laboratories classified the variant as pathogenic. Based on the evidence outlined above, the variant was classified as pathogenic.

Mendelics
Classification: Pathogenic for Ataxia-telangiectasia syndrome. Last evaluated: 2018-07-02. Review status: criteria provided, single submitter. Criteria: Mendelics Assertion Criteria 2017. Collection method: clinical testing. Allele origin: unknown. Not counted in ClinVar's aggregate classification.

Academic Department of Medical Genetics, University of Cambridge
Classification: Pathogenic for Hereditary cancer-predisposing syndrome. Last evaluated: 2018-01-26. Review status: criteria provided, single submitter. Criteria: ACMG Guidelines, 2015. Collection method: research. Allele origin: germline. Affected: yes. Observed: 1 heterozygote. Not counted in ClinVar's aggregate classification.
Comment: Application of AMCG guidelines 2015. Used other ClinVar submission evidence where relevant. Loss of heterozygosity in tumours or immunohistochemistry abnormalities considered functional evidence of pathogenicity.

Identified as part of research study of individuals with multiple primary tumours referred for genetic assessment

Juno Genomics, Hangzhou Juno Genomics, Inc
Classification: Pathogenic for Familial cancer of breast; Ataxia-telangiectasia syndrome. Review status: criteria provided, single submitter. Criteria: ACMG Guidelines, 2015. Collection method: clinical testing. Allele origin: germline. Not counted in ClinVar's aggregate classification.
Comment: Null variant in a gene where loss of function (LOF) is a known mechanism of disease.;Absent from controls (or at extremely low frequency if recessive) in Genome Aggregation Database.;For recessive disorders, detected in trans with a pathogenic variant.;Co-segregation with disease in multiple affected family members.

Laboratory for Genotyping Development, RIKEN
Classification: Pathogenic for Gastric cancer. Last evaluated: 2021-07-01. Review status: no assertion criteria provided. Collection method: research. Allele origin: germline. Not counted in ClinVar's aggregate classification.

Counsyl
Classification: Pathogenic for Ataxia-telangiectasia syndrome. Last evaluated: 2016-09-07. Review status: no assertion criteria provided. Collection method: clinical testing. Allele origin: unknown. Not counted in ClinVar's aggregate classification.

Literature cited by the submitters: PubMed 23807571 (cited by Labcorp Genetics (formerly Invitae), Labcorp); PubMed 25614872 (cited by Labcorp Genetics (formerly Invitae), Labcorp); PubMed 10330348 (cited by 5 submitters); PubMed 12552559 (cited by 5 submitters); PubMed 22006793 (cited by 4 submitters); PubMed 28724667 (cited by 5 submitters); PubMed 20840352 (cited by Natera, Inc.); PubMed 26896183 (cited by Natera, Inc. and Sema4); PubMed 29909963 (cited by Ambry Genetics); PubMed 30607632 (cited by Ambry Genetics and Sema4); PubMed 30697212 (cited by Ambry Genetics); PubMed 30816533 (cited by Ambry Genetics and Sema4); PubMed 31472684 (cited by Ambry Genetics); PubMed 31611883 (cited by Ambry Genetics); PubMed 31794323 (cited by Ambry Genetics); PubMed 32521533 (cited by Ambry Genetics and Sema4); PubMed 33471991 (cited by 3 submitters); PubMed 21778326 (cited by Sema4); PubMed 32427313 (cited by Sema4); PubMed 31050087 (cited by Sema4); PubMed 28779002 (cited by Department of Pathology and Laboratory Medicine, Sinai Health System and Women's Health and Genetics/Laboratory Corporation of America, LabCorp); PubMed 36988593 (cited by Laboratory for Genotyping Development, RIKEN).